The following is an entry in ClinVar:

ClinVar aggregate classification (germline): Uncertain significance. Review status: criteria provided, multiple submitters, no conflicts (2 of 4 stars). 2 submissions from 2 submitters: Uncertain significance (2). Last evaluated 2023-11-30.

Conditions:
Autosomal recessive limb-girdle muscular dystrophy type 2C (LGMDR5). Also called: MUSCULAR DYSTROPHY, LIMB-GIRDLE, AUTOSOMAL RECESSIVE 5; MUSCULAR DYSTROPHY, DUCHENNE-LIKE. Identifiers: Orphanet 353, MedGen C0410173, MONDO:0009677, OMIM 253700. Disease mechanism: Affects gamma-sarcoglycan and also disrupts the integrity of the entire sarcoglycan complex..

Allele frequency attached by ClinVar (database versions not stated): gnomAD 0.00002; ExAC 0.00003; gnomAD exomes 0.00007; TOPMed 0.00007.
gnomAD v4.1: 102 of 1,609,370 alleles (0.0063%); highest among the groups gnomAD compares: Admixed American, 0.04%; no homozygotes.

Submissions (2):

Revvity Omics, Revvity
Classification: Uncertain significance for Autosomal recessive limb-girdle muscular dystrophy type 2C. Last evaluated: 2023-11-30. Review status: criteria provided, single submitter. Criteria: ACMG Guidelines, 2015. Collection method: clinical testing. Allele origin: germline.

Athena Diagnostics
Classification: Uncertain significance. Last evaluated: 2023-01-09. Review status: criteria provided, single submitter. Criteria: Athena Diagnostics Criteria. Collection method: clinical testing. Allele origin: unknown.
Comment: Available data are insufficient to determine the clinical significance of the variant at this time. The frequency of this variant in the general population is higher than would generally be expected for pathogenic variants in this gene. Computational tools yielded predictions that this variant is unlikely to have an effect on normal RNA splicing.

NM_000231.3(SGCG):c.*2C>T

Gene: SGCG (sarcoglycan gamma; plus strand). Cytogenetic location: 13q12.12.
Variant type: single nucleotide variant.
Coding change: c.*2C>T on transcript NM_000231.3 (MANE Select); 2 bases downstream of the stop codon, C replaced by T.
Molecular consequence: 3 prime UTR variant.
Genome position (GRCh38, 1-based): chr13:23,324,543, C>T. VCF-style: chr13-23324543-C-T. GRCh37 (hg19) VCF-style: chr13-23898682-C-T.
Other names: c.*2C>T (NM_001378244.1, NM_001378245.1, NM_001378246.1).
Identifiers: ClinVar variation 2684375 (VCV002684375.2), dbSNP rs749232488, ClinGen allele CA6909866.